The following is an entry in ClinVar:

NM_005236.3(ERCC4):c.2262T>G (p.Arg754=)

Gene: ERCC4 (ERCC excision repair 4, endonuclease catalytic subunit; plus strand). Cytogenetic location: 16p13.12.
Variant type: single nucleotide variant.
Coding change: c.2262T>G on transcript NM_005236.3 (MANE Select); coding-DNA position 2262, T replaced by G.
Protein change: p.Arg754=; no amino-acid change (arginine 754 retained).
Molecular consequence: synonymous variant.
Genome position (GRCh38, 1-based): chr16:13,947,858, T>G. VCF-style: chr16-13947858-T-G. GRCh37 (hg19) VCF-style: chr16-14041715-T-G.
Identifiers: ClinVar variation 3250849 (VCV003250849.18), dbSNP rs2543195623.

ClinVar aggregate classification (germline): Likely benign (1 of 4 stars; one submission).

Submission:

CeGaT Center for Human Genetics Tuebingen
Classification: Likely benign. Last evaluated: 2024-06-01. Review status: criteria provided, single submitter. Criteria: CeGaT Center For Human Genetics Tuebingen Variant Classification Criteria Version 2. Collection method: clinical testing. Allele origin: germline. Affected: yes. Observed: 1 variant allele.
Comment: ERCC4: PM2:Supporting, BP4, BP7